The following is an entry in ClinVar:

ClinVar aggregate classification (germline): Likely benign (0 of 4 stars; one submission).

Conditions:
SHROOM3-related disorder. Also called: SHROOM3-related condition.

Allele frequency attached by ClinVar (database versions not stated): gnomAD exomes 0.00015; ExAC 0.00047; 1000 Genomes Project 30x 0.00125; 1000 Genomes Project 0.00140; ESP Exome Variant Server 0.00154; gnomAD 0.00155; TOPMed 0.00175.
gnomAD v4.1: 456 of 1,614,010 alleles (0.028%); highest among the groups gnomAD compares: African/African-American, 0.54%; 2 homozygotes.

Submission:

PreventionGenetics, part of Exact Sciences
Classification: Likely benign for SHROOM3-related condition. Last evaluated: 2019-12-12. Review status: no assertion criteria provided. Collection method: clinical testing. Allele origin: germline.
Comment: This variant is classified as likely benign based on ACMG/AMP sequence variant interpretation guidelines (Richards et al. 2015 PMID: 25741868, with internal and published modifications).

NM_020859.4(SHROOM3):c.1101T>G (p.Ser367Arg)

Genes: SHROOM3 (shroom family member 3; plus strand), SHROOM3-AS1 (SHROOM3 antisense RNA 1; minus strand). Cytogenetic location: 4q21.1.
Variant type: single nucleotide variant.
Coding change: c.1101T>G on transcript NM_020859.4 (MANE Select); coding-DNA position 1101, T replaced by G.
Protein change: p.Ser367Arg; replaces serine 367 with arginine.
Molecular consequence: missense variant.
Genome position (GRCh38, 1-based): chr4:76,739,274, T>G. VCF-style: chr4-76739274-T-G. GRCh37 (hg19) VCF-style: chr4-77660427-T-G.
Other names: short protein forms S367R.
Identifiers: ClinVar variation 3048279 (VCV003048279.2), dbSNP rs145159967, ClinGen allele CA2972289.